The following is an entry in ClinVar:

ClinVar aggregate classification (germline): Likely benign (1 of 4 stars; one submission).

Conditions:
Breast-ovarian cancer, familial, susceptibility to, 1 (BROVCA1). Also called: OVARIAN CANCER, SUSCEPTIBILITY TO; BRCA1 Hereditary Breast and Ovarian Cancer. Identifiers: Orphanet 145, MedGen C2676676, MONDO:0011450, OMIM 604370. Disease mechanism: loss of function.

gnomAD v4.1: 1 of 1,613,906 alleles (0.000062%); highest among the groups gnomAD compares: South Asian, 0.0011%; no homozygotes.

Submission:

Cancer Bioinformatics and Tumour Evolution Laboratory, Monash University
Classification: Likely benign for Breast-ovarian cancer, familial, susceptibility to, 1. Last evaluated: 2026-05-01. Review status: criteria provided, single submitter. Criteria: ClinGen BRCA1 and BRCA2 Guidelines, 2024. Collection method: curation. Allele origin: germline. Inheritance: Autosomal dominant inheritance.
Comment: Missense variant outside of a functional domain with no splice impact. BRCA1 and BRCA2 VCEP guidelines recommend application of BP1_Strong (PMID: 39142283)

NM_007294.4(BRCA1):c.3013G>A (p.Glu1005Lys)

Gene: BRCA1 (BRCA1 DNA repair associated; minus strand). Cytogenetic location: 17q21.31.
Variant type: single nucleotide variant.
Coding change: c.3013G>A on transcript NM_007294.4 (MANE Select); coding-DNA position 3013, G replaced by A.
Protein change: p.Glu1005Lys; replaces glutamic acid 1005 with lysine.
Molecular consequence: missense variant. On other transcripts: intron variant (137).
Genome position (GRCh38, 1-based): chr17:43,092,518, C>T on the plus strand (G>A on the coding strand, the complement: BRCA1 is on the minus strand). VCF-style: chr17-43092518-C-T. GRCh37 (hg19) VCF-style: chr17-41244535-C-T.
Other names: c.2812G>A, p.Glu938Lys (NM_001407862.1); c.2890G>A, p.Glu964Lys (NM_001407863.1, NM_001407919.1, NM_001407937.1 and 19 more transcripts); c.2809G>A, p.Glu937Lys (NM_001407874.1, NM_001407875.1); c.2803G>A, p.Glu935Lys (NM_001407879.1, NM_001407881.1, NM_001407882.1 and 13 more transcripts); c.665-1486G>A (NM_001408425.1, NM_001408440.1, NM_001408428.1 and 12 more transcripts); c.671-1486G>A (NM_001408419.1, NM_001408422.1, NM_001408418.1 and 2 more transcripts); c.788-1486G>A (NM_001408403.1, NM_001407983.1, NM_001407975.1 and 17 more transcripts); c.791-1495G>A (NM_001408406.1); and 41 more; short protein forms E1002K, E1004K, E1005K, E709K, E837K, E877K, E878K, E893K.
Identifiers: ClinVar variation 4856529 (VCV004856529.1).